The following is an entry in ClinVar:

NM_153809.2(TAF1L):c.2718T>C (p.Ala906=)

Gene: TAF1L (TATA-box binding protein associated factor 1 like; minus strand). Cytogenetic location: 9p21.1.
Variant type: single nucleotide variant.
Coding change: c.2718T>C on transcript NM_153809.2 (MANE Select); coding-DNA position 2718, T replaced by C.
Protein change: p.Ala906=; no amino-acid change (alanine 906 retained).
Molecular consequence: synonymous variant.
Genome position (GRCh38, 1-based): chr9:32,632,862, A>G on the plus strand (T>C on the coding strand, the complement: TAF1L is on the minus strand). VCF-style: chr9-32632862-A-G. GRCh37 (hg19) VCF-style: chr9-32632860-A-G.
Identifiers: ClinVar variation 2659142 (VCV002659142.24), dbSNP rs142256340, ClinGen allele CA5021515.

ClinVar aggregate classification (germline): Likely benign (1 of 4 stars; one submission).

Allele frequency attached by ClinVar (database versions not stated): 1000 Genomes Project 30x 0.00016; 1000 Genomes Project 0.00020; TOPMed 0.00068; gnomAD 0.00074; ExAC 0.00082; ESP Exome Variant Server 0.00092; gnomAD exomes 0.00127.

Submission:

CeGaT Center for Human Genetics Tuebingen
Classification: Likely benign. Last evaluated: 2023-04-01. Review status: criteria provided, single submitter. Criteria: CeGaT Center For Human Genetics Tuebingen Variant Classification Criteria Version 2. Collection method: clinical testing. Allele origin: germline. Affected: yes. Observed: 1 variant allele.
Comment: TAF1L: BP4, BP7